The following is an entry in ClinVar:

ClinVar aggregate classification (germline): Uncertain significance. Review status: criteria provided, multiple submitters, no conflicts (2 of 4 stars). 2 submissions from 2 submitters: Uncertain significance (2). Last evaluated 2025-12-18.

Conditions:
Tuberous sclerosis 1 (TSC1). Identifiers: Orphanet 805, MedGen C1854465, MONDO:0008612, OMIM 191100.
Hereditary cancer-predisposing syndrome. Also called: Neoplastic Syndromes, Hereditary; Tumor predisposition; Hereditary neoplastic syndrome; Hereditary Cancer Syndrome. Identifiers: Orphanet 140162, MedGen C0027672, MeSH D009386, MONDO:0015356.

gnomAD v4.1: 1 of 1,614,104 alleles (0.000062%); highest among the groups gnomAD compares: Non-Finnish European, 0.000085%; no homozygotes.

Submissions (2):

Ambry Genetics
Classification: Uncertain significance for Hereditary cancer-predisposing syndrome. Last evaluated: 2025-12-18. Review status: criteria provided, single submitter. Criteria: Ambry Variant Classification Scheme 2023. Collection method: clinical testing. Allele origin: germline.
Comment: The p.H408R variant (also known as c.1223A>G), located in coding exon 10 of the TSC1 gene, results from an A to G substitution at nucleotide position 1223. The histidine at codon 408 is replaced by arginine, an amino acid with highly similar properties. This amino acid position is conserved. In addition, this alteration is predicted to be tolerated by in silico analysis. Based on the available evidence, the clinical significance of this variant remains unclear.

Labcorp Genetics (formerly Invitae), Labcorp
Classification: Uncertain significance for Tuberous sclerosis 1. Last evaluated: 2024-04-12. Review status: criteria provided, single submitter. Criteria: Invitae Variant Classification Sherloc (09022015). Collection method: clinical testing. Allele origin: germline.
Comment: This sequence change replaces histidine, which is basic and polar, with arginine, which is basic and polar, at codon 408 of the TSC1 protein (p.His408Arg). This variant is not present in population databases (gnomAD no frequency). This variant has not been reported in the literature in individuals affected with TSC1-related conditions. ClinVar contains an entry for this variant (Variation ID: 466013). Advanced modeling of protein sequence and biophysical properties (such as structural, functional, and spatial information, amino acid conservation, physicochemical variation, residue mobility, and thermodynamic stability) performed at Invitae indicates that this missense variant is not expected to disrupt TSC1 protein function with a negative predictive value of 95%. In summary, the available evidence is currently insufficient to determine the role of this variant in disease. Therefore, it has been classified as a Variant of Uncertain Significance.

NM_000368.5(TSC1):c.1223A>G (p.His408Arg)

Gene: TSC1 (TSC complex subunit 1; minus strand). Cytogenetic location: 9q34.13.
Variant type: single nucleotide variant.
Coding change: c.1223A>G on transcript NM_000368.5 (MANE Select); coding-DNA position 1223, A replaced by G.
Protein change: p.His408Arg; replaces histidine 408 with arginine.
Molecular consequence: missense variant.
Genome position (GRCh38, 1-based): chr9:132,910,611, T>C on the plus strand (A>G on the coding strand, the complement: TSC1 is on the minus strand). VCF-style: chr9-132910611-T-C. GRCh37 (hg19) VCF-style: chr9-135785998-T-C.
Other names: c.1220A>G, p.His407Arg (NM_001162426.2); c.1070A>G, p.His357Arg (NM_001162427.2); c.860A>G, p.His287Arg (NM_001362177.2); short protein forms H408R, H287R, H407R, H357R.
Identifiers: ClinVar variation 466013 (VCV000466013.9), dbSNP rs1554817122, ClinGen allele CA375366876.
Genomic context (GRCh38, chr9:132,910,611, plus strand): 5'-GCAGACGAGCTGGATCGCACCTTCCTGGGGGGTGTGACTGTGGCCTGGGGGAGTGAAATG[T>C]GCACGTAGTCATCCGAATGACAGAGTGGGGCTGGAGGAGGAGAGGTTGCTGGGGTTCCCA-3'
Protein context (NP_000359.1, residues 398-418): APLCHSDDYV[His408Arg]ISLPQATVTP